The following is an entry in ClinVar:

ClinVar aggregate classification (germline): Uncertain significance. Review status: criteria provided, multiple submitters, no conflicts (2 of 4 stars). 3 submissions from 3 submitters: Uncertain significance (3). Last evaluated 2025-08-23.

Conditions:
Primary ciliary dyskinesia 19. Also called: CILIARY DYSKINESIA, PRIMARY, 19, WITH OR WITHOUT SITUS INVERSUS. Identifiers: Orphanet 244, MedGen C3543826, MONDO:0013979, OMIM 614935.
Primary ciliary dyskinesia. Also called: Ciliary dyskinesia. Identifiers: Orphanet 244, MedGen C0008780, MONDO:0016575, HP:0012265.

Allele frequency attached by ClinVar (database versions not stated): gnomAD 0.00001; gnomAD exomes 0.00001; ExAC 0.00002.

Submissions (3):

Ambry Genetics
Classification: Uncertain significance for Primary ciliary dyskinesia. Last evaluated: 2025-08-23. Review status: criteria provided, single submitter. Criteria: Ambry Variant Classification Scheme 2023. Collection method: clinical testing. Allele origin: germline.

Labcorp Genetics (formerly Invitae), Labcorp
Classification: Uncertain significance for Ciliary dyskinesia, primary, 19. Last evaluated: 2018-07-10. Review status: criteria provided, single submitter. Criteria: Invitae Variant Classification Sherloc (09022015). Collection method: clinical testing. Allele origin: germline.
Comment: This sequence change replaces serine with phenylalanine at codon 330 of the LRRC6 protein (p.Ser330Phe). The serine residue is highly conserved and there is a large physicochemical difference between serine and phenylalanine. This variant is present in population databases (rs756431151, ExAC 0.003%). This variant has not been reported in the literature in individuals with LRRC6-related disease. Algorithms developed to predict the effect of missense changes on protein structure and function are either unavailable or do not agree on the potential impact of this missense change (SIFT: "Deleterious"; PolyPhen-2: "Probably Damaging"; Align-GVGD: "Class C15"). In summary, the available evidence is currently insufficient to determine the role of this variant in disease. Therefore, it has been classified as a Variant of Uncertain Significance.

Breakthrough Genomics
Classification: Uncertain significance. Review status: criteria provided, single submitter. Criteria: ACMG Guidelines, 2015. Collection method: not provided. Allele origin: germline. Inheritance: Autosomal recessive inheritance. Affected: yes.

NM_012472.6(DNAAF11):c.989C>T (p.Ser330Phe)

Gene: DNAAF11 (dynein axonemal assembly factor 11; minus strand). Cytogenetic location: 8q24.22.
Variant type: single nucleotide variant.
Coding change: c.989C>T on transcript NM_012472.6 (MANE Select); coding-DNA position 989, C replaced by T.
Protein change: p.Ser330Phe; replaces serine 330 with phenylalanine.
Molecular consequence: missense variant. On other transcripts: non-coding transcript variant (10).
Genome position (GRCh38, 1-based): chr8:132,611,349, G>A on the plus strand (C>T on the coding strand, the complement: DNAAF11 is on the minus strand). VCF-style: chr8-132611349-G-A. GRCh37 (hg19) VCF-style: chr8-133623595-G-A.
Other names: c.989C>T (NM_012472.3); c.929C>T, p.Ser310Phe (NM_001321961.2); c.743C>T, p.Ser248Phe (NM_001321962.2); c.629C>T, p.Ser210Phe (NM_001321963.2, NM_001321964.2, NM_001321965.2); c.569C>T, p.Ser190Phe (NM_001321966.2); short protein forms S248F, S210F, S190F, S310F, S330F.
Identifiers: ClinVar variation 640125 (VCV000640125.3), dbSNP rs756431151, ClinGen allele CA4881211.
Genomic context (GRCh38, chr8:132,611,349, plus strand): 5'-CTTACCTTTCCTTTGATCATTACTCGCACGTAAGTTGGTTGCACATCAACATCGATTAAA[G>A]AGGTATCCATATACCTTCAAAATTAAACACAGAAAATCTTATAATTTTAAAAAATATCAA-3'
Protein context (NP_036604.2, residues 320-340): DLAVYRYMDT[Ser330Phe]LIDVDVQPTY